The following is an entry in ClinVar:

NM_032898.5(CEP19):c.167C>T (p.Pro56Leu)

Gene: CEP19 (centrosomal protein 19; minus strand). Cytogenetic location: 3q29.
Variant type: single nucleotide variant.
Coding change: c.167C>T on transcript NM_032898.5 (MANE Select); coding-DNA position 167, C replaced by T.
Protein change: p.Pro56Leu; replaces proline 56 with leucine.
Molecular consequence: missense variant.
Genome position (GRCh38, 1-based): chr3:196,707,876, G>A on the plus strand (C>T on the coding strand, the complement: CEP19 is on the minus strand). VCF-style: chr3-196707876-G-A. GRCh37 (hg19) VCF-style: chr3-196434747-G-A.
Other names: c.62C>T, p.Pro21Leu (NM_001379468.1); c.167C>T, p.Pro56Leu (NM_001379469.1, NM_001379470.1); c.179C>T (NM_032898.3); short protein forms P21L, P56L.
Identifiers: ClinVar variation 1364660 (VCV001364660.7), dbSNP rs201525134, ClinGen allele CA2782132.

ClinVar aggregate classification (germline): Uncertain significance. Review status: criteria provided, multiple submitters, no conflicts (2 of 4 stars). 2 submissions from 2 submitters: Uncertain significance (2). Last evaluated 2025-01-23.

Allele frequency attached by ClinVar (database versions not stated): gnomAD 0.00001; gnomAD exomes 0.00002 and 0.00003; ExAC 0.00003.

Submissions (2):

Ambry Genetics
Classification: Uncertain significance. Last evaluated: 2025-01-23. Review status: criteria provided, single submitter. Criteria: Ambry Variant Classification Scheme 2023. Collection method: clinical testing. Allele origin: germline.

Labcorp Genetics (formerly Invitae), Labcorp
Classification: Uncertain significance. Last evaluated: 2024-10-15. Review status: criteria provided, single submitter. Criteria: Invitae Variant Classification Sherloc (09022015). Collection method: clinical testing. Allele origin: germline.
Comment: This sequence change replaces proline, which is neutral and non-polar, with leucine, which is neutral and non-polar, at codon 60 of the CEP19 protein (p.Pro60Leu). This variant is present in population databases (rs201525134, gnomAD 0.004%). This variant has not been reported in the literature in individuals affected with CEP19-related conditions. ClinVar contains an entry for this variant (Variation ID: 1364660). An algorithm developed to predict the effect of missense changes on protein structure and function (PolyPhen-2) suggests that this variant is likely to be disruptive. In summary, the available evidence is currently insufficient to determine the role of this variant in disease. Therefore, it has been classified as a Variant of Uncertain Significance.